The following is an entry in ClinVar:

NM_007294.4(BRCA1):c.4358-421G>T

Gene: BRCA1 (BRCA1 DNA repair associated; minus strand). Cytogenetic location: 17q21.31.
Variant type: single nucleotide variant.
Coding change: c.4358-421G>T on transcript NM_007294.4 (MANE Select); 421 bases into the intron before coding-DNA position 4358, G replaced by T.
Molecular consequence: intron variant.
Genome position (GRCh38, 1-based): chr17:43,077,035, C>A on the plus strand (G>T on the coding strand, the complement: BRCA1 is on the minus strand). VCF-style: chr17-43077035-C-A. GRCh37 (hg19) VCF-style: chr17-41229052-C-A.
Other names: c.4025-421G>T (NM_001407947.1, NM_001407949.1, NM_001407946.1 and 1 more transcripts); c.838+5369G>T (NM_001408514.1); c.839-424G>T (NM_001408485.1, NM_001408483.1, NM_001408481.1 and 2 more transcripts); c.4145-421G>T (NM_001407908.1, NM_001407898.1, NM_001407894.1 and 8 more transcripts); c.4148-421G>T (NM_001407882.1, NM_001407885.1, NM_001407886.1 and 5 more transcripts); c.923-424G>T (NM_001408447.1, NM_001408446.1, NM_001408448.1 and 2 more transcripts); c.923-421G>T (NM_001408433.1, NM_001408441.1, NM_001408442.1 and 5 more transcripts); c.4229-424G>T (NM_001407690.1, NM_001407691.1); and 98 more.
Identifiers: ClinVar variation 3134931 (VCV003134931.2), dbSNP rs2551704911, ClinGen allele CA2825002507.

ClinVar aggregate classification (germline): Uncertain significance. Review status: criteria provided, multiple submitters, no conflicts (2 of 4 stars). 2 submissions from 2 submitters: Uncertain significance (2). Last evaluated 2026-08-20.

Conditions:
Hereditary cancer-predisposing syndrome. Also called: Neoplastic Syndromes, Hereditary; Tumor predisposition; Hereditary neoplastic syndrome; Hereditary Cancer Syndrome. Identifiers: Orphanet 140162, MedGen C0027672, MeSH D009386, MONDO:0015356.
Hereditary breast ovarian cancer syndrome. Also called: Hereditary breast and ovarian cancer; Hereditary breast and ovarian cancer syndrome; Hereditary breast and ovarian cancer syndrome (HBOC); Breast and ovarian cancer; Hereditary breast and/or ovarian cancer syndrome; BRCA1- and BRCA2-Associated Hereditary Breast and Ovarian Cancer. Identifiers: Orphanet 145, MedGen C0677776, MeSH D061325, MONDO:0003582. Disease mechanism: loss of function.

Submissions (2):

German Consortium for Hereditary Breast and Ovarian Cancer, University Hospital Cologne
Classification: Uncertain significance for Hereditary breast ovarian cancer syndrome. Last evaluated: 2026-08-20. Review status: criteria provided, single submitter. Criteria: ClinGen BRCA1 1.2.0. Collection method: curation. Allele origin: germline.
Comment: This classification follows the ClinGen ENIGMA BRCA1 v1.2.0 classification scheme; We chose these criteria: PM2 (supporting pathogenic): absent from gnomAD v2/3/4, PP3 (supporting pathogenic): Splice AI AG = 0.49 & DG = 0.54

Ambry Genetics
Classification: Uncertain significance for Hereditary cancer-predisposing syndrome. Last evaluated: 2021-05-26. Review status: criteria provided, single submitter. Criteria: Ambry Variant Classification Scheme 2023. Collection method: clinical testing. Allele origin: germline.
Comment: The c.4358-421G>T intronic alteration consists of a G to T substitution 421 nucleotides before coding exon 12 in the BRCA1 gene. Based on insufficient or conflicting evidence, the clinical significance of this alteration remains unclear.